The following is an entry in ClinVar:

NM_014365.3(HSPB8):c.266dup (p.Pro90fs)

Gene: HSPB8 (heat shock protein family B (small) member 8; plus strand). Cytogenetic location: 12q24.23.
Variant type: Duplication.
Coding change: c.266dup on transcript NM_014365.3 (MANE Select); coding-DNA position 266, one base duplicated (C; older notation c.266dupC).
Protein change: p.Pro90fs; shifts the reading frame from proline 90.
Molecular consequence: frameshift variant.
Genome position (GRCh38, 1-based): chr12:119,179,578, C duplicated; the last of 7 consecutive C bases (chr12:119,179,572-119,179,578); duplicating any one gives the same sequence. VCF-style (leftmost placement, unchanged base first): chr12-119179571-A-AC. GRCh37 (hg19) VCF-style: chr12-119617376-A-AC.
Other names: c.266dupC (NM_014365.2); short protein forms P90fs.
Identifiers: ClinVar variation 804924 (VCV000804924.12), dbSNP rs773017653, ClinGen allele CA6819533.

ClinVar aggregate classification (germline): Uncertain significance. Review status: criteria provided, multiple submitters, no conflicts (2 of 4 stars). 3 submissions from 3 submitters: Uncertain significance (3). Last evaluated 2026-01-06.

Conditions:
Charcot-Marie-Tooth disease axonal type 2L. Also called: Charcot-Marie-Tooth Neuropathy Type 2L; CHARCOT-MARIE-TOOTH DISEASE, AXONAL, AUTOSOMAL DOMINANT, TYPE 2L; CHARCOT-MARIE-TOOTH NEUROPATHY, AXONAL, TYPE 2L. Identifiers: Orphanet 99945, MedGen C1837552, MONDO:0012096, OMIM 608673.

Submissions (3):

GeneDx
Classification: Uncertain significance. Last evaluated: 2026-01-06. Review status: criteria provided, single submitter. Criteria: GeneDx Variant Classification Process June 2021. Collection method: clinical testing. Allele origin: germline. Affected: yes.
Comment: Frameshift variant predicted to result in abnormal protein length as the last 107 amino acid(s) are replaced with 36 different amino acid(s), and other similar variants have been reported in HGMD; Has not been previously published as pathogenic or benign to our knowledge

Labcorp Genetics (formerly Invitae), Labcorp
Classification: Uncertain significance for Charcot-Marie-Tooth disease axonal type 2L. Last evaluated: 2023-12-24. Review status: criteria provided, single submitter. Criteria: Invitae Variant Classification Sherloc (09022015). Collection method: clinical testing. Allele origin: germline.
Comment: This sequence change creates a premature translational stop signal (p.Pro90Thrfs*37) in the HSPB8 gene. It is expected to result in an absent or disrupted protein product. However, the current clinical and genetic evidence is not sufficient to establish whether loss-of-function variants in HSPB8 cause disease. The frequency data for this variant in the population databases is considered unreliable, as metrics indicate poor data quality at this position in the gnomAD database. This variant has not been reported in the literature in individuals affected with HSPB8-related conditions. ClinVar contains an entry for this variant (Variation ID: 804924). In summary, the available evidence is currently insufficient to determine the role of this variant in disease. Therefore, it has been classified as a Variant of Uncertain Significance.

Athena Diagnostics
Classification: Uncertain significance. Last evaluated: 2019-04-30. Review status: criteria provided, single submitter. Criteria: Athena Diagnostics Criteria. Collection method: clinical testing. Allele origin: germline.